The following is an entry in ClinVar:

NM_198834.3(ACACA):c.4076A>G (p.His1359Arg)

Gene: ACACA (acetyl-CoA carboxylase alpha; minus strand). Cytogenetic location: 17q12.
Variant type: single nucleotide variant.
Coding change: c.4076A>G on transcript NM_198834.3 (MANE Select); coding-DNA position 4076, A replaced by G.
Protein change: p.His1359Arg; replaces histidine 1359 with arginine.
Molecular consequence: missense variant.
Genome position (GRCh38, 1-based): chr17:37,200,464, T>C on the plus strand (A>G on the coding strand, the complement: ACACA is on the minus strand). VCF-style: chr17-37200464-T-C. GRCh37 (hg19) VCF-style: chr17-35557407-T-C.
Other names: c.3965A>G, p.His1322Arg (NM_198836.3, NM_198839.3); c.3791A>G, p.His1264Arg (NM_198837.2); c.3731A>G, p.His1244Arg (NM_198838.2); short protein forms H1264R, H1359R, H1244R, H1322R.
Identifiers: ClinVar variation 1990872 (VCV001990872.4), dbSNP rs200877415, ClinGen allele CA8515162.

ClinVar aggregate classification (germline): Uncertain significance (1 of 4 stars; one submission).

Allele frequency attached by ClinVar (database versions not stated): gnomAD 0.00003; gnomAD exomes 0.00004; TOPMed 0.00008; ExAC 0.00015; 1000 Genomes Project 0.00020; 1000 Genomes Project 30x 0.00031.
gnomAD v4.1: 74 of 1,613,244 alleles (0.0046%); highest among the groups gnomAD compares: Admixed American, 0.1%; no homozygotes.

Submission:

Labcorp Genetics (formerly Invitae), Labcorp
Classification: Uncertain significance. Last evaluated: 2022-05-17. Review status: criteria provided, single submitter. Criteria: Invitae Variant Classification Sherloc (09022015). Collection method: clinical testing. Allele origin: germline.
Comment: In summary, the available evidence is currently insufficient to determine the role of this variant in disease. Therefore, it has been classified as a Variant of Uncertain Significance. Algorithms developed to predict the effect of missense changes on protein structure and function (SIFT, PolyPhen-2, Align-GVGD) all suggest that this variant is likely to be tolerated. This variant has not been reported in the literature in individuals affected with ACACA-related conditions. This variant is present in population databases (rs200877415, gnomAD 0.2%), and has an allele count higher than expected for a pathogenic variant. This sequence change replaces histidine, which is basic and polar, with arginine, which is basic and polar, at codon 1322 of the ACACA protein (p.His1322Arg).